The following is an entry in ClinVar:

ClinVar aggregate classification (germline): Uncertain significance (1 of 4 stars; one submission).

Allele frequency attached by ClinVar (database versions not stated): gnomAD exomes below 0.00001; TOPMed below 0.00001.
gnomAD v4.1: 1 of 1,613,766 alleles (0.000062%); highest among the groups gnomAD compares: Admixed American, 0.0017%; no homozygotes.

Submission:

Labcorp Genetics (formerly Invitae), Labcorp
Classification: Uncertain significance. Last evaluated: 2022-06-28. Review status: criteria provided, single submitter. Criteria: Invitae Variant Classification Sherloc (09022015). Collection method: clinical testing. Allele origin: germline.
Comment: This sequence change replaces glutamic acid, which is acidic and polar, with lysine, which is basic and polar, at codon 913 of the POLR3A protein (p.Glu913Lys). This variant is not present in population databases (gnomAD no frequency). This variant has not been reported in the literature in individuals affected with POLR3A-related conditions. Algorithms developed to predict the effect of missense changes on protein structure and function are either unavailable or do not agree on the potential impact of this missense change (SIFT: "Deleterious"; PolyPhen-2: "Probably Damaging"; Align-GVGD: "Class C0"). In summary, the available evidence is currently insufficient to determine the role of this variant in disease. Therefore, it has been classified as a Variant of Uncertain Significance.

NM_007055.4(POLR3A):c.2737G>A (p.Glu913Lys)

Gene: POLR3A (RNA polymerase III subunit A; minus strand). Cytogenetic location: 10q22.3.
Variant type: single nucleotide variant.
Coding change: c.2737G>A on transcript NM_007055.4 (MANE Select); coding-DNA position 2737, G replaced by A.
Protein change: p.Glu913Lys; replaces glutamic acid 913 with lysine.
Molecular consequence: missense variant.
Genome position (GRCh38, 1-based): chr10:77,993,247, C>T on the plus strand (G>A on the coding strand, the complement: POLR3A is on the minus strand). VCF-style: chr10-77993247-C-T. GRCh37 (hg19) VCF-style: chr10-79753005-C-T.
Other names: short protein forms E913K.
Identifiers: ClinVar variation 2011861 (VCV002011861.4), dbSNP rs1847266955, ClinGen allele CA377334098.